The following is an entry in ClinVar:

NM_001164508.2(NEB):c.11468G>C (p.Gly3823Ala)

Gene: NEB (nebulin; minus strand). Cytogenetic location: 2q23.3.
Variant type: single nucleotide variant.
Coding change: c.11468G>C on transcript NM_001164508.2 (MANE Select); coding-DNA position 11468, G replaced by C.
Protein change: p.Gly3823Ala; replaces glycine 3823 with alanine.
Molecular consequence: missense variant.
Genome position (GRCh38, 1-based): chr2:151,614,409, C>G on the plus strand (G>C on the coding strand, the complement: NEB is on the minus strand). VCF-style: chr2-151614409-C-G. GRCh37 (hg19) VCF-style: chr2-152470923-C-G.
Other names: c.11468G>C, p.Gly3823Ala (NM_001164507.2, NM_001271208.2); c.10739G>C, p.Gly3580Ala (NM_004543.5); short protein forms G3823A, G3580A.
Identifiers: ClinVar variation 3699539 (VCV003699539.2).

ClinVar aggregate classification (germline): Uncertain significance (1 of 4 stars; one submission).

Conditions:
Nemaline myopathy 2 (NEM2). Also called: Nemaline myopathy 2, autosomal recessive. Identifiers: MedGen C1850569, MONDO:0009725, OMIM 256030.

gnomAD v4.1: 3 of 1,613,904 alleles (0.00019%); highest among the groups gnomAD compares: East Asian, 0.0067%; no homozygotes.

Submission:

Labcorp Genetics (formerly Invitae), Labcorp
Classification: Uncertain significance for Nemaline myopathy 2. Last evaluated: 2025-01-10. Review status: criteria provided, single submitter. Criteria: Invitae Variant Classification Sherloc (09022015). Collection method: clinical testing. Allele origin: germline.
Comment: This sequence change replaces glycine, which is neutral and non-polar, with alanine, which is neutral and non-polar, at codon 3823 of the NEB protein (p.Gly3823Ala). This variant is present in population databases (rs775585450, gnomAD 0.01%). This variant has not been reported in the literature in individuals affected with NEB-related conditions. Experimental studies and prediction algorithms are not available or were not evaluated, and the functional significance of this variant is currently unknown. In summary, the available evidence is currently insufficient to determine the role of this variant in disease. Therefore, it has been classified as a Variant of Uncertain Significance.